The following is an entry in ClinVar:

NM_000179.3(MSH6):c.3065A>C (p.Glu1022Ala)

Gene: MSH6 (mutS homolog 6; plus strand). Cytogenetic location: 2p16.3.
Variant type: single nucleotide variant.
Coding change: c.3065A>C on transcript NM_000179.3 (MANE Select); coding-DNA position 3065, A replaced by C.
Protein change: p.Glu1022Ala; replaces glutamic acid 1022 with alanine.
Molecular consequence: missense variant. On other transcripts: non-coding transcript variant (5), intron variant (2).
Genome position (GRCh38, 1-based): chr2:47,801,048, A>C. VCF-style: chr2-47801048-A-C. GRCh37 (hg19) VCF-style: chr2-48028187-A-C.
Other names: c.2159A>C, p.Glu720Ala (NM_001406812.1, NM_001406814.1, NM_001406815.1 and 6 more transcripts); c.3071A>C, p.Glu1024Ala (NM_001406813.1); c.2768A>C, p.Glu923Ala (NM_001406818.1, NM_001406819.1, NM_001406820.1 and 10 more transcripts); c.2675A>C, p.Glu892Ala (NM_001281492.2); c.3161A>C, p.Glu1054Ala (NM_001406795.1, NM_001406802.1); c.3065A>C, p.Glu1022Ala (NM_001406796.1, NM_001406798.1, NM_001406800.1 and 2 more transcripts); c.2540A>C, p.Glu847Ala (NM_001406799.1, NM_001406806.1, NM_001406807.1); c.2897A>C, p.Glu966Ala (NM_001406826.1); and 4 more; short protein forms E1022A, E1024A, E1054A, E337A, E720A, E847A, E892A, E923A.
Identifiers: ClinVar variation 2676791 (VCV002676791.4), dbSNP rs2104438543, ClinGen allele CA346756532.

ClinVar aggregate classification (germline): Uncertain significance. Review status: criteria provided, multiple submitters, no conflicts (2 of 4 stars). 2 submissions from 2 submitters: Uncertain significance (2). Last evaluated 2023-10-20.

Conditions:
Endometrial carcinoma. Also called: Endometrial carcinoma, somatic. Identifiers: MedGen C0476089, MONDO:0002447, OMIM 608089, HP:0012114.
Hereditary nonpolyposis colorectal neoplasms. Identifiers: MedGen C0009405, MeSH D003123.

Submissions (2):

Labcorp Genetics (formerly Invitae), Labcorp
Classification: Uncertain significance for Hereditary nonpolyposis colorectal neoplasms. Last evaluated: 2023-10-20. Review status: criteria provided, single submitter. Criteria: Invitae Variant Classification Sherloc (09022015). Collection method: clinical testing. Allele origin: germline.
Comment: This sequence change replaces glutamic acid, which is acidic and polar, with alanine, which is neutral and non-polar, at codon 1022 of the MSH6 protein (p.Glu1022Ala). This variant is not present in population databases (gnomAD no frequency). This variant has not been reported in the literature in individuals affected with MSH6-related conditions. Advanced modeling of protein sequence and biophysical properties (such as structural, functional, and spatial information, amino acid conservation, physicochemical variation, residue mobility, and thermodynamic stability) has been performed at Invitae for this missense variant, however the output from this modeling did not meet the statistical confidence thresholds required to predict the impact of this variant on MSH6 protein function. In summary, the available evidence is currently insufficient to determine the role of this variant in disease. Therefore, it has been classified as a Variant of Uncertain Significance.

Baylor Genetics
Classification: Uncertain significance for Endometrial carcinoma. Last evaluated: 2023-10-02. Review status: criteria provided, single submitter. Criteria: ACMG Guidelines, 2015. Collection method: clinical testing. Allele origin: unknown.